The following is an entry in ClinVar:

NM_007294.4(BRCA1):c.144G>A (p.Met48Ile)

Gene: BRCA1 (BRCA1 DNA repair associated; minus strand). Cytogenetic location: 17q21.31.
Variant type: single nucleotide variant.
Coding change: c.144G>A on transcript NM_007294.4 (MANE Select); coding-DNA position 144, G replaced by A.
Protein change: p.Met48Ile; replaces methionine 48 with isoleucine.
Molecular consequence: missense variant. On other transcripts: initiator codon variant (1), non-coding transcript variant (1).
Genome position (GRCh38, 1-based): chr17:43,106,524, C>T on the plus strand (G>A on the coding strand, the complement: BRCA1 is on the minus strand). VCF-style: chr17-43106524-C-T. GRCh37 (hg19) VCF-style: chr17-41258541-C-T.
Other names: c.144G>A, p.Met48Ile (NM_001407682.1, NM_001407683.1, NM_001407684.1 and 168 more transcripts); c.3G>A, p.Met1Ile (NM_001407692.1, NM_001407694.1, NM_001407695.1 and 99 more transcripts); c.-45G>A (NM_001407879.1, NM_001407881.1, NM_001407882.1 and 58 more transcripts); short protein forms M48I, M1I.
Identifiers: ClinVar variation 156487 (VCV000156487.22), dbSNP rs587783040, ClinGen allele CA000972.

ClinVar aggregate classification (germline): Conflicting classifications of pathogenicity. Review status: criteria provided, conflicting classifications (1 of 4 stars). 5 submissions from 5 submitters: Uncertain significance (1); Likely benign (2). 2 of the submissions do not count toward it. Last evaluated 2026-02-03.

Conditions:
Hereditary cancer-predisposing syndrome. Also called: Tumor predisposition; Hereditary neoplastic syndrome; Hereditary Cancer Syndrome; Neoplastic Syndromes, Hereditary. Identifiers: Orphanet 140162, MedGen C0027672, MeSH D009386, MONDO:0015356.
Hereditary breast ovarian cancer syndrome. Also called: Hereditary breast and/or ovarian cancer syndrome; Breast and ovarian cancer; Hereditary breast and ovarian cancer syndrome; Hereditary breast and ovarian cancer; Hereditary breast and ovarian cancer syndrome (HBOC); BRCA1- and BRCA2-Associated Hereditary Breast and Ovarian Cancer. Identifiers: Orphanet 145, MedGen C0677776, MeSH D061325, MONDO:0003582. Disease mechanism: loss of function.
Breast-ovarian cancer, familial, susceptibility to, 1 (BROVCA1). Also called: BRCA1 Hereditary Breast and Ovarian Cancer; OVARIAN CANCER, SUSCEPTIBILITY TO. Identifiers: Orphanet 145, MedGen C2676676, MONDO:0011450, OMIM 604370. Disease mechanism: loss of function.
Malignant tumor of breast. Also called: Malignant breast neoplasm; Cancer breast. Identifiers: MedGen C0006142, MONDO:0007254. Disease mechanism: loss of function.

Allele frequency attached by ClinVar (database versions not stated): gnomAD 0.00001.

Submissions (6):

Labcorp Genetics (formerly Invitae), Labcorp
Classification: Likely benign for Hereditary breast ovarian cancer syndrome. Last evaluated: 2026-02-03. Review status: criteria provided, single submitter. Criteria: Invitae Variant Classification Sherloc (09022015). Collection method: clinical testing. Allele origin: germline.

Ambry Genetics
Classification: Likely benign for Hereditary cancer-predisposing syndrome. Last evaluated: 2022-12-21. Review status: criteria provided, single submitter. Criteria: Ambry Variant Classification Scheme 2023. Collection method: clinical testing. Allele origin: germline.

Color Diagnostics, LLC DBA Color Health
Classification: Uncertain significance for Hereditary cancer-predisposing syndrome. Last evaluated: 2020-10-22. Review status: criteria provided, single submitter. Criteria: ACMG Guidelines, 2015. Collection method: clinical testing. Allele origin: germline.
Comment: This missense variant replaces methionine with isoleucine at codon 48 of the BRCA1 protein. Computational prediction is inconclusive regarding the impact of this variant on protein structure and function (internally defined REVEL score threshold 0.5 < inconclusive < 0.7, PMID: 27666373). This variant has been reported to have a neutral effect in a haploid cell proliferation assay (PMID: 30209399). This variant has been reported in two individuals in a study of breast cancer affected and unaffected controls in Africa, however, the carrier cancer history was not specified (PMID: 31871109). This variant has not been identified in the general population by the Genome Aggregation Database (gnomAD). The available evidence is insufficient to determine the role of this variant in disease conclusively. Therefore, this variant is classified as a Variant of Uncertain Significance.

Pathway Genomics
Classification: Uncertain significance for Breast-ovarian cancer, familial 1. Last evaluated: 2014-07-24. Review status: no assertion criteria provided. Collection method: clinical testing. Allele origin: germline. Not counted in ClinVar's aggregate classification.

Brotman Baty Institute, University of Washington
No classification provided (evidence only). Condition: Breast-ovarian cancer, familial 1. Review status: no classification provided. Collection method: in vitro. Allele origin: not applicable. Functional consequence: functionally_normal. Not counted in ClinVar's aggregate classification.
ClinVar note: "not provided" was previously submitted as the classification for the variant. However, the classification appeared to be based only on an observation of functional data so it was converted to no classification on 2025-07-30.

Department of Pathology and Laboratory Medicine, Sinai Health System
Classification: Uncertain significance for Malignant tumor of breast. Review status: no assertion criteria provided. Collection method: clinical testing. Allele origin: unknown. Affected: yes. Study: The Canadian Open Genetics Repository (COGR). Not counted in ClinVar's aggregate classification.
Comment: The BRCA1 p.Met48Ile variant was not identified in the literature nor was it identified in the GeneInsight-COGR, Cosmic, MutDB, LOVD 3.0, UMD-LSDB, BIC, ARUP Laboratories, and Zhejiang University databases. The variant was identified in dbSNP (ID: rs587783040) as "With Uncertain significance allele ", and in ClinVar (classified as uncertain significance by Invitae, Pathway Genomics) databases. The variant was not identified in the following control databases: the 1000 Genomes Project, the NHLBI GO Exome Sequencing Project, the Exome Aggregation Consortium (August 8th 2016), or the Genome Aggregation Database (Feb 27, 2017). The p.Met48 residue is conserved in mammals and computational analyses (PolyPhen-2, SIFT, AlignGVGD, BLOSUM, MutationTaster) provide inconsistent predictions regarding the impact to the protein; this information is not very predictive of pathogenicity. The variant occurs outside of the splicing consensus sequence and in silico or computational prediction software programs (SpliceSiteFinder, MaxEntScan, NNSPLICE, GeneSplicer, HumanSpliceFinder) do not predict a difference in splicing. In summary, based on the above information the clinical significance of this variant cannot be determined with certainty at this time. This variant is classified as a variant of uncertain significance.

Literature cited by the submitters: PubMed 30209399 (cited by Ambry Genetics).